The following is an entry in ClinVar:

ClinVar aggregate classification (germline): Uncertain significance. Review status: criteria provided, multiple submitters, no conflicts (2 of 4 stars). 3 submissions from 3 submitters: Uncertain significance (2). 1 of the submissions does not count toward it. Last evaluated 2025-07-01.

Conditions:
HEMOGLOBIN G (FERRARA).

Submissions (3):

Quest Diagnostics Nichols Institute San Juan Capistrano
Classification: Uncertain significance. Last evaluated: 2025-07-01. Review status: criteria provided, single submitter. Criteria: Quest Diagnostics criteria. Collection method: clinical testing. Allele origin: unknown.
Comment: The HBB c.174C>A (p.Asn58Lys, also known as Hb G-Ferrara) variant has been reported in individuals with a range of phenotypes including hypochromia, microcytosis, and reportedly unaffected individuals (PMID: 23279838 (2013), 26414 (1978), HbVar. This variant has not been reported in large, multi-ethnic general populations (Genome Aggregation Database). Analysis of this variant using bioinformatics tools for the prediction of the effect of amino acid changes on protein structure and function yielded predictions that this variant is damaging. Based on the available information, we are unable to determine the clinical significance of this variant.

ARUP Laboratories, Molecular Genetics and Genomics, ARUP Laboratories
Classification: Uncertain significance. Last evaluated: 2021-10-01. Review status: criteria provided, single submitter. Criteria: ARUP Molecular Germline Variant Investigation Process 2021. Collection method: clinical testing. Allele origin: germline.
Comment: The Hb G-Ferrara variant (HBB c.174C>A; p.Asn58Lys, also known as Asn57Lys when numbered from the mature protein, rs35278874) is reported as a slightly unstable hemoglobin, but shows normal oxygen affinity, Bohr effect and cooperativity (HbVar database and references therein). In one study, the data suggested that Hb G-Ferrara in combination with Hb S could result in sickle cell disease (see Canizares 1983, discussed in Silva 2013); however, a later study suggests Hb G-Ferrara is not associated with sickle cell disease (Silva 2013). The Hb G-Ferrara variant is absent from the Genome Aggregation Database, indicating it is not a common polymorphism. The asparagine at codon 58 is highly conserved, but computational analyses are uncertain whether this variant is neutral or deleterious (REVEL: 0.639). Due to limited information, the clinical significance of this variant is uncertain at this time. REFERENCES Link to HbVar database for Hb G-Ferrara: Canizares ME et al. Hemoglobinopatia S con interaccion de la HbS y la Hb G-Ferrara [Hemoglobinopathy S with an interaction of HbS and Hb G-Ferrara]. Sangre (Barc). 1983;28(6):770-4. Spanish. PMID: 6673168. Silva MR et al. Clinical and molecular characterization of hemoglobin Maputo [beta 47 (CD6) Asp > Tyr HBB: c.142G > T] and G-Ferrara [beta 57 (E1) Asn > Lys HBB: c.174C > A] in a newborn screening in Brazil. Int J Lab Hematol. 2013 Dec;35(6):e1-4. PMID: 23279838.

OMIM
Classification: other for HEMOGLOBIN G (FERRARA). Last evaluated: 2017-12-12. Review status: no assertion criteria provided. Collection method: literature only. Allele origin: germline. Not counted in ClinVar's aggregate classification.

Literature cited by the submitters: PubMed 26414 (cited by Quest Diagnostics Nichols Institute San Juan Capistrano and OMIM); PubMed 23279838 (cited by Quest Diagnostics Nichols Institute San Juan Capistrano); PubMed 12402333 (cited by Quest Diagnostics Nichols Institute San Juan Capistrano).

NM_000518.5(HBB):c.174C>A (p.Asn58Lys)

Genes: HBB (hemoglobin subunit beta; minus strand), LOC106099062 (HBB recombination region; plus strand), LOC107133510 (origin of replication at HBB; plus strand). Cytogenetic location: 11p15.4.
Variant type: single nucleotide variant.
Coding change: c.174C>A on transcript NM_000518.5 (MANE Select); coding-DNA position 174, C replaced by A.
Protein change: p.Asn58Lys; replaces asparagine 58 with lysine.
Molecular consequence: missense variant.
Genome position (GRCh38, 1-based): chr11:5,226,718, G>T on the plus strand (C>A on the coding strand, the complement: HBB is on the minus strand). VCF-style: chr11-5226718-G-T. GRCh37 (hg19) VCF-style: chr11-5247948-G-T.
Other names: N57K; short protein forms N58K.
Identifiers: ClinVar variation 15172 (VCV000015172.11), dbSNP rs35278874, ClinGen allele CA124855.